The following is an entry in ClinVar:

NM_021076.4(NEFH):c.3025G>A (p.Glu1009Lys)

Gene: NEFH (neurofilament heavy chain; plus strand). Cytogenetic location: 22q12.2.
Variant type: single nucleotide variant.
Coding change: c.3025G>A on transcript NM_021076.4 (MANE Select); coding-DNA position 3025, G replaced by A.
Protein change: p.Glu1009Lys; replaces glutamic acid 1009 with lysine.
Molecular consequence: missense variant.
Genome position (GRCh38, 1-based): chr22:29,490,665, G>A. VCF-style: chr22-29490665-G-A. GRCh37 (hg19) VCF-style: chr22-29886654-G-A.
Other names: short protein forms E1009K.
Identifiers: ClinVar variation 3404115 (VCV003404115.5).

ClinVar aggregate classification (germline): Uncertain significance. Review status: criteria provided, multiple submitters, no conflicts (2 of 4 stars). 2 submissions from 2 submitters: Uncertain significance (2). Last evaluated 2026-01-01.

Conditions:
Inborn genetic diseases. Identifiers: MedGen C0950123, MeSH D030342.

gnomAD v4.1: 2 of 1,614,140 alleles (0.00012%); highest among the groups gnomAD compares: Non-Finnish European, 0.00017%; no homozygotes.

Submissions (2):

CeGaT Center for Human Genetics Tuebingen
Classification: Uncertain significance. Last evaluated: 2026-01-01. Review status: criteria provided, single submitter. Criteria: CeGaT Center For Human Genetics Tuebingen Variant Classification Criteria Version 2. Collection method: clinical testing. Allele origin: germline. Affected: yes. Observed: 1 variant allele.
Comment: NEFH: PM2

Ambry Genetics
Classification: Uncertain significance for Inborn genetic diseases. Last evaluated: 2024-08-27. Review status: criteria provided, single submitter. Criteria: Ambry Variant Classification Scheme 2023. Collection method: clinical testing. Allele origin: germline.